The following is an entry in ClinVar:

ClinVar aggregate classification (germline): Conflicting classifications of pathogenicity. Review status: criteria provided, conflicting classifications (1 of 4 stars). 2 submissions from 2 submitters: Uncertain significance (1); Likely benign (1). Last evaluated 2025-12-01.

Conditions:
Inborn genetic diseases. Identifiers: MedGen C0950123, MeSH D030342.

Allele frequency attached by ClinVar (database versions not stated): TOPMed 0.00010; gnomAD 0.00011; 1000 Genomes Project 30x 0.00016; gnomAD exomes 0.00017; 1000 Genomes Project 0.00020; ExAC 0.00027; ESP Exome Variant Server 0.00031.

Submissions (2):

CeGaT Center for Human Genetics Tuebingen
Classification: Likely benign. Last evaluated: 2025-12-01. Review status: criteria provided, single submitter. Criteria: CeGaT Center For Human Genetics Tuebingen Variant Classification Criteria Version 2. Collection method: clinical testing. Allele origin: germline. Affected: yes. Observed: 1 variant allele.
Comment: KHDC3L: BP4

Ambry Genetics
Classification: Uncertain significance for Inborn genetic diseases. Last evaluated: 2024-02-27. Review status: criteria provided, single submitter. Criteria: Ambry Variant Classification Scheme 2023. Collection method: clinical testing. Allele origin: germline.

NM_001017361.3(KHDC3L):c.572C>A (p.Thr191Asn)

Gene: KHDC3L (KH domain containing 3 like, subcortical maternal complex member; plus strand). Cytogenetic location: 6q13.
Variant type: single nucleotide variant.
Coding change: c.572C>A on transcript NM_001017361.3 (MANE Select); coding-DNA position 572, C replaced by A.
Protein change: p.Thr191Asn; replaces threonine 191 with asparagine.
Molecular consequence: missense variant.
Genome position (GRCh38, 1-based): chr6:73,363,778, C>A. VCF-style: chr6-73363778-C-A. GRCh37 (hg19) VCF-style: chr6-74073501-C-A.
Other names: short protein forms T191N.
Identifiers: ClinVar variation 2234219 (VCV002234219.9), dbSNP rs146663357, ClinGen allele CA3887970.